The following is an entry in ClinVar:

NM_001098484.3(SLC4A4):c.678C>T (p.Asp226=)

Gene: SLC4A4 (solute carrier family 4 member 4; plus strand). Cytogenetic location: 4q13.3.
Variant type: single nucleotide variant.
Coding change: c.678C>T on transcript NM_001098484.3 (MANE Select); coding-DNA position 678, C replaced by T.
Protein change: p.Asp226=; no amino-acid change (aspartic acid 226 retained).
Molecular consequence: synonymous variant.
Genome position (GRCh38, 1-based): chr4:71,357,135, C>T. VCF-style: chr4-71357135-C-T. GRCh37 (hg19) VCF-style: chr4-72222852-C-T.
Other names: c.678C>T, p.Asp226= (NM_001134742.2); c.546C>T, p.Asp182= (NM_003759.4).
Identifiers: ClinVar variation 780928 (VCV000780928.13), dbSNP rs146394238, ClinGen allele CA2954621.
Genomic context (GRCh38, chr4:71,357,135, plus strand): 5'-TACTTTGCTCCGGAAGCACCGGCATCAAACCAAGAAATCCAACCTTCGGTCCCTGGCTGA[C>T]ATTGGGAAGACAGTCTCCAGTGCAAGTAGGATGTTTACCAACCCTGATAATGGTAATGCA-3'
Protein context (NP_001091954.1, residues 216-236): TKKSNLRSLA[Asp226=]IGKTVSSASR

ClinVar aggregate classification (germline): Benign/Likely benign. Review status: criteria provided, multiple submitters, no conflicts (2 of 4 stars). 3 submissions from 3 submitters: Benign (1); Likely benign (1). 1 of the submissions does not count toward it. Last evaluated 2026-01-25.

Conditions:
SLC4A4-related disorder. Also called: SLC4A4-related condition.
Autosomal recessive proximal renal tubular acidosis (PRTAO). Also called: PROXIMAL RENAL TUBULAR ACIDOSIS-OCULAR ANOMALY SYNDROME; RENAL TUBULAR ACIDOSIS, PROXIMAL, WITH OCULAR ABNORMALITIES AND IMPAIRED INTELLECTUAL DEVELOPMENT; RTA, PROXIMAL, AUTOSOMAL RECESSIVE; RENAL TUBULAR ACIDOSIS, PROXIMAL, WITH OCULAR ABNORMALITIES AND MENTAL RETARDATION. Identifiers: Orphanet 93607, MedGen C1970309, MONDO:0011422, OMIM 604278.

Allele frequency attached by ClinVar (database versions not stated): gnomAD exomes 0.00009 and 0.00021; ExAC 0.00035; ESP Exome Variant Server 0.00092; 1000 Genomes Project 0.00100; gnomAD 0.00102 and 0.00110; TOPMed 0.00110; 1000 Genomes Project 30x 0.00156.
gnomAD v4.1: 293 of 1,614,160 alleles (0.018%); highest among the groups gnomAD compares: African/African-American, 0.37%; 1 homozygote.

Submissions (3):

Labcorp Genetics (formerly Invitae), Labcorp
Classification: Benign. Last evaluated: 2026-01-25. Review status: criteria provided, single submitter. Criteria: Invitae Variant Classification Sherloc (09022015). Collection method: clinical testing. Allele origin: germline.

Fulgent Genetics
Classification: Likely benign for Autosomal recessive proximal renal tubular acidosis. Last evaluated: 2022-02-13. Review status: criteria provided, single submitter. Criteria: ACMG Guidelines, 2015. Collection method: clinical testing. Allele origin: unknown.

PreventionGenetics, part of Exact Sciences
Classification: Likely benign for SLC4A4-related condition. Last evaluated: 2019-12-18. Review status: no assertion criteria provided. Collection method: clinical testing. Allele origin: germline. Not counted in ClinVar's aggregate classification.
Comment: This variant is classified as likely benign based on ACMG/AMP sequence variant interpretation guidelines (Richards et al. 2015 PMID: 25741868, with internal and published modifications).